The following is an entry in ClinVar:

NM_022893.4(BCL11A):c.1078dup (p.Leu360fs)

Gene: BCL11A (BCL11 transcription factor A; minus strand). Cytogenetic location: 2p16.1.
Variant type: Duplication.
Coding change: c.1078dup on transcript NM_022893.4 (MANE Select); coding-DNA position 1078, one base duplicated (C; older notation c.1078dupC).
Protein change: p.Leu360fs; shifts the reading frame from leucine 360.
Molecular consequence: frameshift variant. On other transcripts: intron variant (1).
Genome position (GRCh38, 1-based): chr2:60,461,834, G duplicated on the plus strand (C on the coding strand, the reverse complement: BCL11A is on the minus strand); the first of 7 consecutive G bases (chr2:60,461,834-60,461,840); duplicating any one gives the same sequence. VCF-style (leftmost placement, unchanged base first): chr2-60461833-A-AG. GRCh37 (hg19) VCF-style: chr2-60688968-A-AG.
Other names: c.976dup, p.Leu326fs (NM_001363864.1, NM_001365609.1); c.1078dup, p.Leu360fs (NM_018014.4); c.630+442dup (NM_138559.2); c.1078dupC (NM_022893.3); short protein forms L326fs, L360fs.
Identifiers: ClinVar variation 426886 (VCV000426886.6), dbSNP rs768799046, ClinGen allele CA1671161.
Genomic context (GRCh38, chr2:60,461,833, plus strand): 5'-TCGCATGACTTGGACTTGACCGGGGGCTGGGAGGGAGGAGGGGCGGATTGCAGAGGAGGG[A>AG]GGGGGGGCGTCGCCAGGAAGGGCGGCTTGCTACCTGGCTGGAATGGTTGCAGTAACCTTT-3'

ClinVar aggregate classification (germline): Pathogenic. Review status: criteria provided, multiple submitters, no conflicts (2 of 4 stars). 4 submissions from 3 submitters: Pathogenic (3). 1 of the submissions does not count toward it. Last evaluated 2025-03-21.

Conditions:
Dias-Logan syndrome. Also called: INTELLECTUAL DEVELOPMENTAL DISORDER WITH HEREDITARY PERSISTENCE OF FETAL HEMOGLOBIN; Intellectual developmental disorder with persistence of fetal hemoglobin. Identifiers: Orphanet 619233, MedGen C4310833, MONDO:0014914, OMIM 617101.
Neurodevelopmental delay. Identifiers: MedGen C4022738, HP:0012758.

Submissions (4):

GeneDx
Classification: Pathogenic. Last evaluated: 2025-03-21. Review status: criteria provided, single submitter. Criteria: GeneDx Variant Classification Process June 2021. Collection method: clinical testing. Allele origin: germline. Affected: yes.
Comment: Frameshift variant predicted to result in abnormal protein length as the last 476 amino acids are replaced with 211 different amino acids, and other similar variants have been reported in HGMD; Not observed at significant frequency in large population cohorts (gnomAD); This variant is associated with the following publications: (PMID: 35982159, 33057194, 33149276)

Center for Personalized Medicine, Children's Hospital Los Angeles
Classification: Pathogenic. Last evaluated: 2022-12-21. Review status: criteria provided, single submitter. Criteria: ACMG Guidelines, 2015. Collection method: clinical testing. Allele origin: de novo. Affected: yes.

Centre de Biologie Pathologie Génétique, Centre Hospitalier Universitaire de Lille
Classification: Pathogenic for Neurodevelopmental delay. Review status: criteria provided, single submitter. Criteria: ACMG Guidelines, 2015. Collection method: clinical testing. Allele origin: de novo. Affected: yes.

Centre de Biologie Pathologie Génétique, Centre Hospitalier Universitaire de Lille
Classification: Pathogenic for Intellectual developmental disorder with persistence of fetal hemoglobin. Last evaluated: 2019-01-01. Review status: no assertion criteria provided. Collection method: clinical testing. Allele origin: de novo. Affected: yes. Not counted in ClinVar's aggregate classification.